The following is an entry in ClinVar:

ClinVar aggregate classification (germline): Pathogenic/Likely pathogenic. Review status: criteria provided, multiple submitters, no conflicts (2 of 4 stars). 2 submissions from 2 submitters: Pathogenic (1); Likely pathogenic (1). Last evaluated 2025-04-14.

Conditions:
Hereditary hyperinsulinism.

Submissions (2):

Natera, Inc.
Classification: Likely pathogenic for Hereditary hyperinsulinism. Last evaluated: 2025-04-14. Review status: criteria provided, single submitter. Criteria: Natera Variant Classification Schema (03/2026). Collection method: clinical testing. Allele origin: germline.
Comment: The c.1960G>T variant in ABCC8 is a nonsense variant predicted to introduce a stop codon at amino acid 654. This variant is expected to result in nonsense mediated decay, truncation, or a dysfunctional protein product. This variant is rare in the general population with a frequency below the threshold expected for the associated phenotype(s). Given the available evidence, this variant is classified as Likely Pathogenic.

Labcorp Genetics (formerly Invitae), Labcorp
Classification: Pathogenic. Last evaluated: 2023-04-20. Review status: criteria provided, single submitter. Criteria: Invitae Variant Classification Sherloc (09022015). Collection method: clinical testing. Allele origin: germline.
Comment: This premature translational stop signal has been observed in individual(s) with autosomal recessive hyperinsulinism (PMID: 32027066, 32928245). This sequence change creates a premature translational stop signal (p.Glu654*) in the ABCC8 gene. It is expected to result in an absent or disrupted protein product. Loss-of-function variants in ABCC8 are known to be pathogenic (PMID: 20685672, 23345197). This variant is not present in population databases (gnomAD no frequency). For these reasons, this variant has been classified as Pathogenic.

Literature cited by the submitters: PubMed 32027066 (cited by Labcorp Genetics (formerly Invitae), Labcorp); PubMed 32928245 (cited by Labcorp Genetics (formerly Invitae), Labcorp); PubMed 20685672 (cited by Labcorp Genetics (formerly Invitae), Labcorp); PubMed 23345197 (cited by Labcorp Genetics (formerly Invitae), Labcorp).

NM_000352.6(ABCC8):c.1960G>T (p.Glu654Ter)

Gene: ABCC8 (ATP binding cassette subfamily C member 8; minus strand). Cytogenetic location: 11p15.1.
Variant type: single nucleotide variant.
Coding change: c.1960G>T on transcript NM_000352.6 (MANE Select); coding-DNA position 1960, G replaced by T.
Protein change: p.Glu654Ter; replaces glutamic acid 654 with a stop codon.
Molecular consequence: nonsense. On other transcripts: non-coding transcript variant (1).
Genome position (GRCh38, 1-based): chr11:17,428,369, C>A on the plus strand (G>T on the coding strand, the complement: ABCC8 is on the minus strand). VCF-style: chr11-17428369-C-A. GRCh37 (hg19) VCF-style: chr11-17449916-C-A.
Other names: c.1960G>T, p.Glu654Ter (NM_001287174.3); c.2026G>T, p.Glu676Ter (NM_001351295.2); c.1957G>T, p.Glu653Ter (NM_001351296.2, NM_001351297.2); c.1960G>T (NM_000352.4); short protein forms E654*, E676*, E653*.
Identifiers: ClinVar variation 2982295 (VCV002982295.4), dbSNP rs1955687009, ClinGen allele CA379815334.
Genomic context (GRCh38, chr11:17,428,369, plus strand): 5'-CATCGCCATCTGCACTGGGGACCAGGCTCTGCAGTGGGCCGGTGAGGCCCCGACAATCCT[C>A]CCGGGCTGGACGCTTGCGGTTCACAACCCTGAGGGGCTGGGGGTGGTTTGGAGGTGAGGA-3'